The following is an entry in ClinVar:

ClinVar aggregate classification (germline): Likely benign. Review status: criteria provided, multiple submitters, no conflicts (2 of 4 stars). 6 submissions from 6 submitters: Likely benign (5). 1 of the submissions does not count toward it. Last evaluated 2026-01-27.

Conditions:
Cardiovascular phenotype. Identifiers: MedGen CN230736.
AKAP9-related disorder. Also called: AKAP9-related condition.
Long QT syndrome (LQTS). Identifiers: MedGen C0023976, MeSH D008133, MONDO:0002442. Disease mechanism: loss of function. Inheritance: Various modes of inheritance.
Hypertrophic cardiomyopathy. Also called: HYPERTROPHIC MYOCARDIOPATHY. Identifiers: Orphanet 217569, MedGen C0007194, MeSH D002312, MONDO:0005045, HP:0001639.

Allele frequency attached by ClinVar (database versions not stated): gnomAD exomes 0.00003 and 0.00013; ExAC 0.00017; ESP Exome Variant Server 0.00038; 1000 Genomes Project 30x 0.00047; gnomAD 0.00047 and 0.00051; TOPMed 0.00055; 1000 Genomes Project 0.00060.
gnomAD v4.1: 128 of 1,613,724 alleles (0.0079%); highest among the groups gnomAD compares: African/African-American, 0.14%; no homozygotes.

Submissions (6):

Labcorp Genetics (formerly Invitae), Labcorp
Classification: Likely benign for Long QT syndrome. Last evaluated: 2026-01-27. Review status: criteria provided, single submitter. Criteria: Invitae Variant Classification Sherloc (09022015). Collection method: clinical testing. Allele origin: germline.

Women's Health and Genetics/Laboratory Corporation of America, LabCorp
Classification: Likely benign. Last evaluated: 2024-06-24. Review status: criteria provided, single submitter. Criteria: LabCorp Variant Classification Summary - May 2015. Collection method: clinical testing. Allele origin: germline.

Ambry Genetics
Classification: Likely benign for Cardiovascular phenotype. Last evaluated: 2019-05-22. Review status: criteria provided, single submitter. Criteria: Ambry Variant Classification Scheme 2023. Collection method: clinical testing. Allele origin: germline.

Center for Advanced Laboratory Medicine, UC San Diego Health, University of California San Diego
Classification: Likely benign for Hypertrophic cardiomyopathy. Last evaluated: 2017-02-22. Review status: criteria provided, single submitter. Criteria: ACMG Guidelines, 2015. Collection method: clinical testing. Allele origin: germline. Affected: yes. Observed: 1 variant allele.

Breakthrough Genomics
Classification: Likely benign. Review status: criteria provided, single submitter. Criteria: ACMG Guidelines, 2015. Collection method: not provided. Allele origin: germline. Inheritance: Autosomal dominant inheritance. Affected: yes.

PreventionGenetics, part of Exact Sciences
Classification: Likely benign for AKAP9-related condition. Last evaluated: 2023-12-11. Review status: no assertion criteria provided. Collection method: clinical testing. Allele origin: germline. Not counted in ClinVar's aggregate classification.
Comment: This variant is classified as likely benign based on ACMG/AMP sequence variant interpretation guidelines (Richards et al. 2015 PMID: 25741868, with internal and published modifications).

NM_005751.5(AKAP9):c.8975C>T (p.Ser2992Leu)

Gene: AKAP9 (A-kinase anchoring protein 9; plus strand). Cytogenetic location: 7q21.2.
Variant type: single nucleotide variant.
Coding change: c.8975C>T on transcript NM_005751.5 (MANE Select); coding-DNA position 8975, C replaced by T.
Protein change: p.Ser2992Leu; replaces serine 2992 with leucine.
Molecular consequence: missense variant.
Genome position (GRCh38, 1-based): chr7:92,085,637, C>T. VCF-style: chr7-92085637-C-T. GRCh37 (hg19) VCF-style: chr7-91714951-C-T.
Other names: c.3620C>T, p.Ser1207Leu (NM_001379277.1); c.8951C>T, p.Ser2984Leu (NM_147185.3); short protein forms S2992L, S2984L, S1207L.
Identifiers: ClinVar variation 417027 (VCV000417027.19), dbSNP rs149341527, ClinGen allele CA4337625.